The following is an entry in ClinVar:

ClinVar aggregate classification (germline): Pathogenic. Review status: criteria provided, multiple submitters, no conflicts (2 of 4 stars). 3 submissions from 3 submitters: Pathogenic (2). 1 of the submissions does not count toward it. Last evaluated 2025-03-18.

Conditions:
Ataxia-telangiectasia syndrome (AT). Also called: Ataxia telangiectasia (A-T); ATAXIA-TELANGIECTASIA, COMPLEMENTATION GROUP A; ATAXIA-TELANGIECTASIA, FRESNO VARIANT; Ataxia-telangiectasia, complementation group D; AT, COMPLEMENTATION GROUP C; Ataxia-telangiectasia, complementation group E. Identifiers: Orphanet 100, MedGen C0004135, MONDO:0008840, OMIM 208900.
Familial cancer of breast. Also called: Hereditary breast cancer; BREAST CANCER, FAMILIAL; hereditary breast carcinoma. Identifiers: Orphanet 227535, MedGen C0346153, MONDO:0016419, OMIM 114480. Disease mechanism: loss of function.

Submissions (3):

Labcorp Genetics (formerly Invitae), Labcorp
Classification: Pathogenic for Ataxia-telangiectasia syndrome. Last evaluated: 2025-03-18. Review status: criteria provided, single submitter. Criteria: Invitae Variant Classification Sherloc (09022015). Collection method: clinical testing. Allele origin: germline.
Comment: This sequence change creates a premature translational stop signal (p.Pro1526Thrfs*5) in the ATM gene. It is expected to result in an absent or disrupted protein product. Loss-of-function variants in ATM are known to be pathogenic (PMID: 23807571, 25614872). This variant is not present in population databases (gnomAD no frequency). This variant has not been reported in the literature in individuals affected with ATM-related conditions. ClinVar contains an entry for this variant (Variation ID: 1174116). Algorithms developed to predict the effect of sequence changes on RNA splicing suggest that this variant may disrupt the consensus splice site. For these reasons, this variant has been classified as Pathogenic.

Myriad Genetics, Inc.
Classification: Pathogenic for Familial cancer of breast. Last evaluated: 2024-09-10. Review status: criteria provided, single submitter. Criteria: Myriad Autosomal Dominant, Autosomal Recessive and X-Linked Classification Criteria (2023). Collection method: clinical testing. Allele origin: unknown.
Comment: This variant is considered pathogenic. This variant creates a frameshift predicted to result in premature protein truncation.

Genetica Medica Policlinico Modena, Policlinico di Modena
Classification: Likely pathogenic for Ataxia-telangiectasia syndrome. Last evaluated: 2021-06-23. Review status: no assertion criteria provided. Collection method: clinical testing. Allele origin: germline. Inheritance: Autosomal recessive inheritance. Affected: yes. Observed: 1 variant allele, 1 compound heterozygote. Not counted in ClinVar's aggregate classification.
Comment: Null variant (frame-shift), in gene ATM, for which loss-of-function is a known mechanism of disease. The variant is not found in gnomAD exomes and in gnomAD genomes. The variant is predicted as pathogenetic by computational sowtware.

Literature cited by the submitters: PubMed 23807571 (cited by Labcorp Genetics (formerly Invitae), Labcorp); PubMed 25614872 (cited by Labcorp Genetics (formerly Invitae), Labcorp).

NM_000051.4(ATM):c.4575dup (p.Pro1526fs)

Gene: ATM (ATM serine/threonine kinase; plus strand). Cytogenetic location: 11q22.3.
Variant type: Duplication.
Coding change: c.4575dup on transcript NM_000051.4 (MANE Select); coding-DNA position 4575, one base duplicated (A; older notation c.4575dupA).
Protein change: p.Pro1526fs; shifts the reading frame from proline 1526.
Molecular consequence: frameshift variant.
Genome position (GRCh38, 1-based): chr11:108,292,757, A duplicated. VCF-style (leftmost placement, unchanged base first): chr11-108292756-T-TA. GRCh37 (hg19) VCF-style: chr11-108163483-T-TA.
Other names: c.4575dup, p.Pro1526fs (NM_001351834.2); short protein forms P1526fs.
Identifiers: ClinVar variation 1174116 (VCV001174116.5), dbSNP rs2135801723, ClinGen allele CA2499220641.